The following continues an entry in ClinVar:

NM_000038.6(APC):c.3183_3187del (p.Lys1061_Gln1062insTer)

Gene: APC. ClinVar aggregate classification (germline): Pathogenic. Pathogenic (32).

Submissions 27 to 37 of 37:

Clinical Genetics and Genomics, Karolinska University Hospital
Classification: Pathogenic. Last evaluated: 2019-05-06. Review status: criteria provided, single submitter. Criteria: ACMG Guidelines, 2015. Collection method: clinical testing. Allele origin: germline. Affected: yes. Observed: 1 variant allele.

Mendelics
Classification: Pathogenic for Familial adenomatous polyposis 1. Last evaluated: 2018-07-02. Review status: criteria provided, single submitter. Criteria: Mendelics Assertion Criteria 2017. Collection method: clinical testing. Allele origin: unknown.

National Molecular Genetics Centre of Cancer Research, N.N. Alexandrov National Cancer Centre of Belarus
Classification: Pathogenic for Familial adenomatous polyposis 1. Last evaluated: 2018-05-28. Review status: criteria provided, single submitter. Criteria: ACMG Guidelines, 2015. Collection method: clinical testing. Allele origin: germline. Affected: yes. Observed: 1 variant allele, 1 heterozygote.
Comment: This sequence change (c.3183_3187delACAAA) creates a stop codon (p.Gln1062*) in exon 16 of the APC mRNA.

Center for Human Genetics, Inc
Classification: Pathogenic for Familial multiple polyposis syndrome. Last evaluated: 2016-11-01. Review status: criteria provided, single submitter. Criteria: ACMG Guidelines, 2015. Collection method: clinical testing. Allele origin: germline. Affected: yes.

St. Jude Molecular Pathology, St. Jude Children's Research Hospital
Classification: Pathogenic for Craniopharyngioma. Last evaluated: 2016-02-29. Review status: criteria provided, single submitter. Criteria: ACMG Guidelines, 2015. Collection method: clinical testing. Allele origin: germline. Affected: yes.
Comment: This is a frameshift mutation in which 5 nucleotides are deleted between coding positions 3183 and 3187 and is predicted to shift the reading frame at codon 1061.

Eurofins Ntd Llc (ga)
Classification: Pathogenic. Last evaluated: 2013-08-22. Review status: criteria provided, single submitter. Criteria: EGL Classification Definitions. Collection method: clinical testing. Allele origin: germline. Observed: 5 variant alleles, 5 heterozygotes.

Counsyl
Classification: Pathogenic for Familial adenomatous polyposis 1. Last evaluated: 2016-03-03. Review status: no assertion criteria provided. Collection method: clinical testing. Allele origin: unknown. Not counted in ClinVar's aggregate classification.

Pathway Genomics
Classification: Pathogenic for Adenomatous polyposis coli. Last evaluated: 2014-07-24. Review status: no assertion criteria provided. Collection method: clinical testing. Allele origin: germline. Not counted in ClinVar's aggregate classification.

Clinical Genetics DNA and cytogenetics Diagnostics Lab, Erasmus MC, Erasmus Medical Center
Classification: Pathogenic. Review status: no assertion criteria provided. Collection method: clinical testing. Allele origin: germline. Affected: yes. Study: VKGL Data-share Consensus. Not counted in ClinVar's aggregate classification.

Department of Pathology and Laboratory Medicine, Sinai Health System
Classification: Pathogenic for Carcinoma of colon. Review status: no assertion criteria provided. Collection method: clinical testing. Allele origin: unknown. Affected: yes. Study: The Canadian Open Genetics Repository (COGR). Not counted in ClinVar's aggregate classification.
Comment: The p.Gln1062X variant has been described as a common hotspot mutation in the literature, with a founder effect in at least one population (from the Spanish Balearic Islands) (Fostira 2010, Gonzales 2005). In six studies it was identified in 36 of 4386 chromosomes (frequency: 0.008) from individuals or families with familial adenomatous polyposis or colorectal cancer (Aceto 2005, Fostira 2010, Gonzales 2005, Kerr 2012, Plawski 2008, Wallis 1999), and was absent in control chromosomes from these studies. The variant was also identified in several database searches, including: GeneInsight COGR (classified as pathogenic by a clinical laboratory), HGMD, UMD (208X as a â€šÃ„Ãºcausalâ€šÃ„Ã¹ variant), COSMIC, Clinvitae, InSiGHT Colon Cancer Database (191X), Zhejiang Colon Cancer Database, and the ClinVar Database (classified as pathogenic by Emory Genetics Laboratory, Pathway Genomics, and Ambry Genetics). The p.Gln1062X variant leads to a premature stop codon at position 1062, which is predicted to lead to a truncated or absent protein and loss of function. Loss of function variants of the APC gene are an established mechanism of disease in familial adenomatous polyposis and is the type of variant expected to cause the disorder. Notably, this variant occurs in the last exon of the gene and stop codon or nonsense mutations in this region may not be subjected to nonsense mediated RNA decay, although further study would be required to validate this hypothesis and it is currently not possible to determine whether or not this might influence the severity of the disorder. In summary, based on the above information, this variant meets our laboratoryâ€šÃ„Ã´s criteria to be classified as pathogenic.

Diagnostic Laboratory, Department of Genetics, University Medical Center Groningen
Classification: Pathogenic. Review status: no assertion criteria provided. Collection method: clinical testing. Allele origin: germline. Affected: yes. Study: VKGL Data-share Consensus. Not counted in ClinVar's aggregate classification.

Literature cited by the submitters: PubMed 1316610 (cited by 11 submitters); PubMed 8162022 (cited by 4 submitters); PubMed 15771908 (cited by 5 submitters); PubMed 15311282 (cited by Labcorp Genetics (formerly Invitae), Labcorp); PubMed 17293347 (cited by Labcorp Genetics (formerly Invitae), Labcorp); PubMed 8381579 (cited by 4 submitters); PubMed 9824584 (cited by Labcorp Genetics (formerly Invitae), Labcorp); PubMed 22135120 (cited by Labcorp Genetics (formerly Invitae), Labcorp); PubMed 27081525 (cited by Labcorp Genetics (formerly Invitae), Labcorp); PubMed 26625971 (cited by Dasa and Quest Diagnostics Nichols Institute San Juan Capistrano); PubMed 1651174 (cited by Dasa); PubMed 10051640 (cited by Dasa); PubMed 23159591 (cited by 5 submitters); PubMed 10083733 (cited by Ambry Genetics); PubMed 16088911 (cited by Ambry Genetics and Institute for Genomic Medicine (IGM) Clinical Laboratory, Nationwide Children's Hospital); PubMed 19029688 (cited by Ambry Genetics); PubMed 20649969 (cited by Ambry Genetics and Institute for Genomic Medicine (IGM) Clinical Laboratory, Nationwide Children's Hospital); PubMed 20924072 (cited by Ambry Genetics); PubMed 26446593 (cited by 4 submitters); PubMed 26840078 (cited by Ambry Genetics and Mayo Clinic Laboratories, Mayo Clinic); PubMed 35189564 (cited by Center for Genomic Medicine, Rigshospitalet, Copenhagen University Hospital and Quest Diagnostics Nichols Institute San Juan Capistrano); PubMed 11257105 (cited by Color Diagnostics, LLC DBA Color Health); PubMed 9101302 (cited by All of Us Research Program, National Institutes of Health); PubMed 9375853 (cited by All of Us Research Program, National Institutes of Health); PubMed 9703421 (cited by All of Us Research Program, National Institutes of Health); PubMed 11677205 (cited by All of Us Research Program, National Institutes of Health); PubMed 36225625 (cited by Quest Diagnostics Nichols Institute San Juan Capistrano); PubMed 29351919 (cited by Quest Diagnostics Nichols Institute San Juan Capistrano); PubMed 29753700 (cited by Quest Diagnostics Nichols Institute San Juan Capistrano); PubMed 31159747 (cited by Quest Diagnostics Nichols Institute San Juan Capistrano); PubMed 31469036 (cited by Quest Diagnostics Nichols Institute San Juan Capistrano); PubMed 31504825 (cited by Quest Diagnostics Nichols Institute San Juan Capistrano); PubMed 25590978 (cited by Women's Health and Genetics/Laboratory Corporation of America, LabCorp and Counsyl); PubMed 8381581 (cited by Counsyl); PubMed 8395941 (cited by Counsyl); PubMed 12486240 (cited by Counsyl); PubMed 18794146 (cited by Counsyl); PubMed 11247896 (cited by Pathway Genomics); PubMed 12172928 (cited by Pathway Genomics).